The following is an entry in ClinVar:

ClinVar aggregate classification (germline): Uncertain significance (1 of 4 stars; one submission).

Conditions:
Pancreatic adenocarcinoma. Identifiers: MedGen C0281361, MONDO:0006047, HP:0006725.

Allele frequency attached by ClinVar (database versions not stated): TOPMed below 0.00001; gnomAD 0.00001.

Submission:

Labcorp Genetics (formerly Invitae), Labcorp
Classification: Uncertain significance for Pancreatic adenocarcinoma. Last evaluated: 2021-08-09. Review status: criteria provided, single submitter. Criteria: Invitae Variant Classification Sherloc (09022015). Collection method: clinical testing. Allele origin: germline.
Comment: This sequence change replaces proline with serine at codon 112 of the PALLD protein (p.Pro112Ser). The proline residue is highly conserved and there is a moderate physicochemical difference between proline and serine. This variant has not been reported in the literature in individuals affected with PALLD-related conditions. The frequency data for this variant in the population databases is considered unreliable, as metrics indicate insufficient coverage at this position in the ExAC database. In summary, the available evidence is currently insufficient to determine the role of this variant in disease. Therefore, it has been classified as a Variant of Uncertain Significance. Algorithms developed to predict the effect of missense changes on protein structure and function are either unavailable or do not agree on the potential impact of this missense change (SIFT: "Deleterious"; PolyPhen-2: "Benign"; Align-GVGD: "Class C65").

NM_001166108.2(PALLD):c.1965-12697C>T

Gene: PALLD (palladin, cytoskeletal associated protein; plus strand). Cytogenetic location: 4q32.3.
Variant type: single nucleotide variant.
Coding change: c.1965-12697C>T on transcript NM_001166108.2 (MANE Select); 12697 bases into the intron before coding-DNA position 1965, C replaced by T.
Molecular consequence: intron variant. On other transcripts: missense variant (1).
Genome position (GRCh38, 1-based): chr4:168,878,225, C>T. VCF-style: chr4-168878225-C-T. GRCh37 (hg19) VCF-style: chr4-169799376-C-T.
Other names: c.334C>T, p.Pro112Ser (NM_001166110.2); c.1965-12697C>T (NM_016081.4); c.819-12697C>T (NM_001166109.2); c.-157-12697C>T (NM_001367570.1, NM_001367568.1, NM_001367567.1 and 1 more transcripts); short protein forms P112S.
Identifiers: ClinVar variation 1446065 (VCV001446065.6), dbSNP rs1752078843, ClinGen allele CA358796329.